The following is an entry in ClinVar:

ClinVar aggregate classification (germline): Uncertain significance. Review status: criteria provided, multiple submitters, no conflicts (2 of 4 stars). 2 submissions from 2 submitters: Uncertain significance (2). Last evaluated 2025-01-06.

Conditions:
Nephronophthisis. Also called: Juvenile Nephronophthisis. Identifiers: Orphanet 655, MedGen C0687120, MONDO:0019005, HP:0000090.
Inborn genetic diseases. Identifiers: MedGen C0950123, MeSH D030342.

gnomAD v4.1: 4 of 1,605,398 alleles (0.00025%); highest among the groups gnomAD compares: Non-Finnish European, 0.00025%; no homozygotes.

Submissions (2):

Labcorp Genetics (formerly Invitae), Labcorp
Classification: Uncertain significance for Nephronophthisis. Last evaluated: 2025-01-06. Review status: criteria provided, single submitter. Criteria: Invitae Variant Classification Sherloc (09022015). Collection method: clinical testing. Allele origin: germline.
Comment: This sequence change replaces arginine, which is basic and polar, with glycine, which is neutral and non-polar, at codon 288 of the NPHP4 protein (p.Arg288Gly). This variant is present in population databases (no rsID available, gnomAD 0.001%). This variant has not been reported in the literature in individuals affected with NPHP4-related conditions. ClinVar contains an entry for this variant (Variation ID: 967413). Invitae Evidence Modeling of protein sequence and biophysical properties (such as structural, functional, and spatial information, amino acid conservation, physicochemical variation, residue mobility, and thermodynamic stability) indicates that this missense variant is expected to disrupt NPHP4 protein function with a positive predictive value of 80%. In summary, the available evidence is currently insufficient to determine the role of this variant in disease. Therefore, it has been classified as a Variant of Uncertain Significance.

Ambry Genetics
Classification: Uncertain significance for Inborn genetic diseases. Last evaluated: 2024-11-26. Review status: criteria provided, single submitter. Criteria: Ambry Variant Classification Scheme 2023. Collection method: clinical testing. Allele origin: germline.

NM_015102.5(NPHP4):c.862C>G (p.Arg288Gly)

Gene: NPHP4 (nephrocystin 4; minus strand). Cytogenetic location: 1p36.31.
Variant type: single nucleotide variant.
Coding change: c.862C>G on transcript NM_015102.5 (MANE Select); coding-DNA position 862, C replaced by G.
Protein change: p.Arg288Gly; replaces arginine 288 with glycine.
Molecular consequence: missense variant. On other transcripts: 5 prime UTR variant (2), non-coding transcript variant (1).
Genome position (GRCh38, 1-based): chr1:5,948,200, G>C on the plus strand (C>G on the coding strand, the complement: NPHP4 is on the minus strand). VCF-style: chr1-5948200-G-C. GRCh37 (hg19) VCF-style: chr1-6008260-G-C.
Other names: c.862C>G (NM_015102.3); c.-505C>G (NM_001291593.2, NM_001291594.2); short protein forms R288G.
Identifiers: ClinVar variation 967413 (VCV000967413.10), dbSNP rs372256352, ClinGen allele CA17157036.